The following is an entry in ClinVar:

NM_000094.4(COL7A1):c.3203G>T (p.Arg1068Leu)

Gene: COL7A1 (collagen type VII alpha 1 chain; minus strand). Cytogenetic location: 3p21.31.
Variant type: single nucleotide variant.
Coding change: c.3203G>T on transcript NM_000094.4 (MANE Select); coding-DNA position 3203, G replaced by T.
Protein change: p.Arg1068Leu; replaces arginine 1068 with leucine.
Molecular consequence: missense variant.
Genome position (GRCh38, 1-based): chr3:48,587,045, C>A on the plus strand (G>T on the coding strand, the complement: COL7A1 is on the minus strand). VCF-style: chr3-48587045-C-A. GRCh37 (hg19) VCF-style: chr3-48624478-C-A.
Other names: short protein forms R1068L.
Identifiers: ClinVar variation 1907542 (VCV001907542.2), dbSNP rs753761607, ClinGen allele CA352708830.
Genomic context (GRCh38, chr3:48,587,045, plus strand): 5'-GGCCCAAGAGGCCCAAGTGCCAACACCAGACGCTCCAGGACCCTCCTCGTAGCCTCCGCA[C>A]GGTGAGCATTGTCTTGAGTGGCATGTGGTAGGAACACCACATCCGCCAGGCCACGGGGGC-3'
Protein context (NP_000085.1, residues 1058-1078): LPHATQDNAH[Arg1068Leu]AEATRRVLER

ClinVar aggregate classification (germline): Uncertain significance (1 of 4 stars; one submission).

gnomAD v4.1: 3 of 1,608,736 alleles (0.00019%); highest among the groups gnomAD compares: African/African-American, 0.0027%; no homozygotes.

Submission:

Labcorp Genetics (formerly Invitae), Labcorp
Classification: Uncertain significance. Last evaluated: 2021-03-19. Review status: criteria provided, single submitter. Criteria: Invitae Variant Classification Sherloc (09022015). Collection method: clinical testing. Allele origin: germline.
Comment: This sequence change replaces arginine with leucine at codon 1068 of the COL7A1 protein (p.Arg1068Leu). The arginine residue is weakly conserved and there is a moderate physicochemical difference between arginine and leucine. This variant is not present in population databases (ExAC no frequency). This variant has not been reported in the literature in individuals with COL7A1-related conditions. Algorithms developed to predict the effect of missense changes on protein structure and function are either unavailable or do not agree on the potential impact of this missense change (SIFT: "Tolerated"; PolyPhen-2: "Not Available"; Align-GVGD: "Class C0"). In summary, the available evidence is currently insufficient to determine the role of this variant in disease. Therefore, it has been classified as a Variant of Uncertain Significance.